The following is an entry in ClinVar:

ClinVar aggregate classification (germline): Likely benign. Review status: criteria provided, multiple submitters, no conflicts (2 of 4 stars). 2 submissions from 2 submitters: Likely benign (2). Last evaluated 2025-08-05.

Conditions:
Brugada syndrome 5 (BRGDA5). Identifiers: Orphanet 130, Orphanet 871, MedGen C2748541, MONDO:0013015, OMIM 612838.

Allele frequency attached by ClinVar (database versions not stated): TOPMed 0.00001.
gnomAD v4.1: 18 of 1,612,636 alleles (0.0011%); highest among the groups gnomAD compares: Middle Eastern, 0.016%; no homozygotes.

Submissions (2):

Labcorp Genetics (formerly Invitae), Labcorp
Classification: Likely benign for Brugada syndrome 5. Last evaluated: 2025-08-05. Review status: criteria provided, single submitter. Criteria: Invitae Variant Classification Sherloc (09022015). Collection method: clinical testing. Allele origin: germline.

GeneDx
Classification: Likely benign. Last evaluated: 2018-02-06. Review status: criteria provided, single submitter. Criteria: GeneDx Variant Classification (06012015). Collection method: clinical testing. Allele origin: germline. Affected: yes.
Comment: This variant is considered likely benign or benign based on one or more of the following criteria: it is a conservative change, it occurs at a poorly conserved position in the protein, it is predicted to be benign by multiple in silico algorithms, and/or has population frequency not consistent with disease.

NM_001037.5(SCN1B):c.207+19C>A

Gene: SCN1B (sodium voltage-gated channel beta subunit 1; plus strand). Cytogenetic location: 19q13.11.
Variant type: single nucleotide variant.
Coding change: c.207+19C>A on transcript NM_001037.5 (MANE Select); 19 bases into the intron after coding-DNA position 207, C replaced by A.
Molecular consequence: intron variant.
Genome position (GRCh38, 1-based): chr19:35,032,713, C>A. VCF-style: chr19-35032713-C-A. GRCh37 (hg19) VCF-style: chr19-35523617-C-A.
Other names: c.207+19C>A (NM_199037.5); c.108+19C>A (NM_001321605.2).
Identifiers: ClinVar variation 516626 (VCV000516626.5), dbSNP rs201872896, ClinGen allele CA9371972.